The following is an entry in ClinVar:

NM_001367624.2(ZNF469):c.1550G>T (p.Ser517Ile)

Gene: ZNF469 (zinc finger protein 469; plus strand). Cytogenetic location: 16q24.2.
Variant type: single nucleotide variant.
Coding change: c.1550G>T on transcript NM_001367624.2 (MANE Select); coding-DNA position 1550, G replaced by T.
Protein change: p.Ser517Ile; replaces serine 517 with isoleucine.
Molecular consequence: missense variant.
Genome position (GRCh38, 1-based): chr16:88,429,020, G>T. VCF-style: chr16-88429020-G-T. GRCh37 (hg19) VCF-style: chr16-88495428-G-T.
Other names: NM_001127464.1:c.1550G>T; p.Ser517Ile; short protein forms S517I.
Identifiers: ClinVar variation 1775055 (VCV001775055.16), dbSNP rs758781186, ClinGen allele CA286372894.

ClinVar aggregate classification (germline): Uncertain significance. Review status: criteria provided, multiple submitters, no conflicts (2 of 4 stars). 6 submissions from 6 submitters: Uncertain significance (6). Last evaluated 2025-12-29.

Conditions:
Cardiovascular phenotype. Identifiers: MedGen CN230736.

Allele frequency attached by ClinVar (database versions not stated): gnomAD 0.00002; TOPMed 0.00003; gnomAD exomes 0.00005.
gnomAD v4.1: 68 of 1,549,068 alleles (0.0044%); highest among the groups gnomAD compares: Middle Eastern, 0.017%; no homozygotes.

Submissions (6):

Women's Health and Genetics/Laboratory Corporation of America, LabCorp
Classification: Uncertain significance. Last evaluated: 2025-12-29. Review status: criteria provided, single submitter. Criteria: LabCorp Variant Classification Summary - May 2015. Collection method: clinical testing. Allele origin: germline.
Comment: Variant summary: ZNF469 c.1550G>T (p.Ser517Ile) results in a non-conservative amino acid change in the encoded protein sequence. Algorithms developed to predict the effect of missense changes on protein structure and function are either unavailable or do not agree on the potential impact of this missense change. The variant allele was found at a frequency of 2.1e-05 in 141908 control chromosomes. The available data on variant occurrences in the general population are insufficient to allow any conclusion about variant significance. To our knowledge, no occurrence of c.1550G>T in individuals affected with ZNF469-related conditions and no experimental evidence demonstrating its impact on protein function have been reported. ClinVar contains an entry for this variant (Variation ID: 1775055). Based on the evidence outlined above, the variant was classified as uncertain significance.

Labcorp Genetics (formerly Invitae), Labcorp
Classification: Uncertain significance. Last evaluated: 2025-10-03. Review status: criteria provided, single submitter. Criteria: Invitae Variant Classification Sherloc (09022015). Collection method: clinical testing. Allele origin: germline.
Comment: This sequence change replaces serine, which is neutral and polar, with isoleucine, which is neutral and non-polar, at codon 517 of the ZNF469 protein (p.Ser517Ile). This variant is present in population databases (no rsID available, gnomAD 0.02%). This variant has not been reported in the literature in individuals affected with ZNF469-related conditions. ClinVar contains an entry for this variant (Variation ID: 1775055). An algorithm developed to predict the effect of missense changes on protein structure and function (PolyPhen-2) suggests that this variant is likely to be disruptive. In summary, the available evidence is currently insufficient to determine the role of this variant in disease. Therefore, it has been classified as a Variant of Uncertain Significance.

CeGaT Center for Human Genetics Tuebingen
Classification: Uncertain significance. Last evaluated: 2025-07-01. Review status: criteria provided, single submitter. Criteria: CeGaT Center For Human Genetics Tuebingen Variant Classification Criteria Version 2. Collection method: clinical testing. Allele origin: germline. Affected: yes. Observed: 1 variant allele.
Comment: ZNF469: PM2, BP4

Mayo Clinic Laboratories, Mayo Clinic
Classification: Uncertain significance. Last evaluated: 2024-08-29. Review status: criteria provided, single submitter. Criteria: ACMG Guidelines, 2015. Collection method: clinical testing. Allele origin: germline. Observed: 1 variant allele.
Comment: BP4

GeneDx
Classification: Uncertain significance. Last evaluated: 2024-06-17. Review status: criteria provided, single submitter. Criteria: GeneDx Variant Classification Process June 2021. Collection method: clinical testing. Allele origin: germline. Affected: yes.
Comment: In silico analysis indicates that this missense variant does not alter protein structure/function; Has not been previously published as pathogenic or benign to our knowledge

Ambry Genetics
Classification: Uncertain significance for Cardiovascular phenotype. Last evaluated: 2023-09-25. Review status: criteria provided, single submitter. Criteria: Ambry Variant Classification Scheme 2023. Collection method: clinical testing. Allele origin: germline.